The following is an entry in ClinVar:

ClinVar aggregate classification (germline): Benign/Likely benign. Review status: criteria provided, multiple submitters, no conflicts (2 of 4 stars). 3 submissions from 3 submitters: Benign (1); Likely benign (2). Last evaluated 2025-06-24.

Conditions:
Hereditary diffuse gastric adenocarcinoma (HDGC). Also called: DIFFUSE GASTRIC AND LOBULAR BREAST CANCER SYNDROME. Identifiers: Orphanet 26106, MedGen C1708349, MONDO:0007648, OMIM 137215.
Hereditary cancer-predisposing syndrome. Also called: Neoplastic Syndromes, Hereditary; Tumor predisposition; Hereditary neoplastic syndrome; Hereditary Cancer Syndrome. Identifiers: Orphanet 140162, MedGen C0027672, MeSH D009386, MONDO:0015356.

Allele frequency attached by ClinVar (database versions not stated): gnomAD exomes below 0.00001.
gnomAD v4.1: 1 of 1,613,986 alleles (0.000062%); highest among the groups gnomAD compares: Non-Finnish European, 0.000085%; no homozygotes.

Submissions (3):

Labcorp Genetics (formerly Invitae), Labcorp
Classification: Likely benign. Last evaluated: 2025-06-24. Review status: criteria provided, single submitter. Criteria: Invitae Variant Classification Sherloc (09022015). Collection method: clinical testing. Allele origin: germline.

Myriad Genetics, Inc.
Classification: Benign for Hereditary diffuse gastric adenocarcinoma. Last evaluated: 2024-10-15. Review status: criteria provided, single submitter. Criteria: Myriad Autosomal Dominant, Autosomal Recessive and X-Linked Classification Criteria (2023). Collection method: clinical testing. Allele origin: unknown.
Comment: This variant is considered benign. This variant is a silent/synonymous amino acid change and it is not expected to impact splicing.

Ambry Genetics
Classification: Likely benign for Hereditary cancer-predisposing syndrome. Last evaluated: 2021-12-08. Review status: criteria provided, single submitter. Criteria: Ambry Variant Classification Scheme 2023. Collection method: clinical testing. Allele origin: germline.

NM_001903.5(CTNNA1):c.2466C>G (p.Ala822=)

Gene: CTNNA1 (catenin alpha 1; plus strand). Cytogenetic location: 5q31.2.
Variant type: single nucleotide variant.
Coding change: c.2466C>G on transcript NM_001903.5 (MANE Select); coding-DNA position 2466, C replaced by G.
Protein change: p.Ala822=; no amino-acid change (alanine 822 retained).
Molecular consequence: synonymous variant. On other transcripts: 3 prime UTR variant (5).
Genome position (GRCh38, 1-based): chr5:138,933,834, C>G. VCF-style: chr5-138933834-C-G. GRCh37 (hg19) VCF-style: chr5-138269523-C-G.
Other names: c.*11C>G (NM_001290307.3, NM_001324002.1, NM_001324003.1 and 2 more transcripts); c.2157C>G, p.Ala719= (NM_001290309.3); c.2097C>G, p.Ala699= (NM_001290310.3); c.1356C>G, p.Ala452= (NM_001290312.1, NM_001323987.1, NM_001323988.1 and 12 more transcripts); c.2466C>G, p.Ala822= (NM_001323982.2, NM_001323983.1, NM_001323984.2); c.2439C>G, p.Ala813= (NM_001323985.2); c.2373C>G, p.Ala791= (NM_001323986.2); c.1221C>G, p.Ala407= (NM_001324001.1); and 3 more.
Identifiers: ClinVar variation 1791687 (VCV001791687.8), dbSNP rs1765971045, ClinGen allele CA446793141.